The following is an entry in ClinVar:

NM_001113378.2(FANCI):c.1891-261T>C

Gene: FANCI (FA complementation group I; plus strand). Cytogenetic location: 15q26.1.
Variant type: single nucleotide variant.
Coding change: c.1891-261T>C on transcript NM_001113378.2 (MANE Select); 261 bases into the intron before coding-DNA position 1891, T replaced by C.
Molecular consequence: intron variant.
Genome position (GRCh38, 1-based): chr15:89,291,352, T>C. VCF-style: chr15-89291352-T-C. GRCh37 (hg19) VCF-style: chr15-89834583-T-C.
Other names: c.1891-261T>C (NM_018193.3, NM_001376911.1); c.1612-261T>C (NM_001376910.1).
Identifiers: ClinVar variation 1804493 (VCV001804493.1), dbSNP rs8031091, ClinGen allele CA274573039.

ClinVar aggregate classification (germline): Likely benign (1 of 4 stars; one submission).

Allele frequency attached by ClinVar (database versions not stated): 1000 Genomes Project 0.01038; gnomAD 0.01124; 1000 Genomes Project 30x 0.01156; TOPMed 0.01333.
gnomAD v4.1: 1,701 of 152,272 alleles (1.1%); highest among the groups gnomAD compares: African/African-American, 3.9%; 30 homozygotes.

Submission:

GeneDx
Classification: Likely benign. Last evaluated: 2019-02-04. Review status: criteria provided, single submitter. Criteria: GeneDx Variant Classification Process June 2021. Collection method: clinical testing. Allele origin: germline. Affected: yes.
Comment: See Variant Classification Assertion Criteria.